The following is an entry in ClinVar:

ClinVar aggregate classification (germline): Conflicting classifications of pathogenicity. Review status: criteria provided, conflicting classifications (1 of 4 stars). 2 submissions from 2 submitters: Uncertain significance (1); Likely benign (1). Last evaluated 2025-09-04.

Allele frequency attached by ClinVar (database versions not stated): ESP Exome Variant Server 0.00015; gnomAD 0.00015 and 0.00016; gnomAD exomes 0.00023 and 0.00029; ExAC 0.00024; TOPMed 0.00025.

Submissions (2):

Labcorp Genetics (formerly Invitae), Labcorp
Classification: Likely benign. Last evaluated: 2025-09-04. Review status: criteria provided, single submitter. Criteria: Invitae Variant Classification Sherloc (09022015). Collection method: clinical testing. Allele origin: germline.

GeneDx
Classification: Uncertain significance. Last evaluated: 2019-05-06. Review status: criteria provided, single submitter. Criteria: GeneDx Variant Classification Process June 2021. Collection method: clinical testing. Allele origin: germline. Affected: yes.
Comment: In silico analysis, which includes protein predictors and evolutionary conservation, supports a deleterious effect; Has not been previously published as pathogenic or benign to our knowledge

NM_198334.3(GANAB):c.1210C>T (p.Arg404Trp)

Gene: GANAB (glucosidase II alpha subunit; minus strand). Cytogenetic location: 11q12.3.
Variant type: single nucleotide variant.
Coding change: c.1210C>T on transcript NM_198334.3 (MANE Select); coding-DNA position 1210, C replaced by T.
Protein change: p.Arg404Trp; replaces arginine 404 with tryptophan.
Molecular consequence: missense variant.
Genome position (GRCh38, 1-based): chr11:62,630,777, G>A on the plus strand (C>T on the coding strand, the complement: GANAB is on the minus strand). VCF-style: chr11-62630777-G-A. GRCh37 (hg19) VCF-style: chr11-62398249-G-A.
Other names: c.934C>T, p.Arg312Trp (NM_001278192.2); c.868C>T, p.Arg290Trp (NM_001278193.2); c.919C>T, p.Arg307Trp (NM_001278194.2, NM_001329222.2, NM_001329223.2); c.487C>T, p.Arg163Trp (NM_001329224.2, NM_001329225.2); c.1276C>T, p.Arg426Trp (NM_198335.4); short protein forms R163W, R290W, R307W, R312W, R404W, R426W.
Identifiers: ClinVar variation 1305709 (VCV001305709.9), dbSNP rs143499716, ClinGen allele CA6050832.